The following is an entry in ClinVar:

NM_004006.3(DMD):c.1184G>A (p.Arg395Gln)

Gene: DMD (dystrophin; minus strand). Cytogenetic location: Xp21.1.
Variant type: single nucleotide variant.
Coding change: c.1184G>A on transcript NM_004006.3 (MANE Select); coding-DNA position 1184, G replaced by A.
Protein change: p.Arg395Gln; replaces arginine 395 with glutamine.
Molecular consequence: missense variant.
Genome position (GRCh38, 1-based): chrX:32,644,279, C>T on the plus strand (G>A on the coding strand, the complement: DMD is on the minus strand). VCF-style: chrX-32644279-C-T. GRCh37 (hg19) VCF-style: chrX-32662396-C-T.
Other names: c.1160G>A, p.Arg387Gln (NM_000109.4); c.1172G>A, p.Arg391Gln (NM_004009.3); c.815G>A, p.Arg272Gln (NM_004010.3); short protein forms R395Q, R272Q, R387Q, R391Q.
Identifiers: ClinVar variation 282389 (VCV000282389.67), dbSNP rs148511512, ClinGen allele CA10379946.

ClinVar aggregate classification (germline): Benign/Likely benign. Review status: criteria provided, multiple submitters, no conflicts (2 of 4 stars). 8 submissions from 8 submitters: Benign (2); Likely benign (5). 1 of the submissions does not count toward it. Last evaluated 2026-01-15.

Conditions:
Cardiovascular phenotype. Identifiers: MedGen CN230736.
Dystrophin deficiency.
Dilated cardiomyopathy 3B (CMD3B). Also called: CMD3B: DMD-Related Dilated Cardiomyopathy; CARDIOMYOPATHY, DILATED, X-LINKED; DMD-Associated Dilated Cardiomyopathy. Identifiers: Orphanet 154, MedGen C3668940, MONDO:0010542, OMIM 302045.
Duchenne muscular dystrophy (DMD). Also called: Duchenne Muscular Dystrophy (DMD); MUSCULAR DYSTROPHY, PSEUDOHYPERTROPHIC PROGRESSIVE, DUCHENNE TYPE. Identifiers: Orphanet 98896, MedGen C0013264, MONDO:0010679, OMIM 310200.

Allele frequency attached by ClinVar (database versions not stated): TOPMed 0.00005; gnomAD 0.00006 and 0.00010; gnomAD exomes 0.00017; ExAC 0.00018; 1000 Genomes Project 30x 0.00083; 1000 Genomes Project 0.00106.
gnomAD v4.1: 186 of 1,209,024 alleles (0.015%); highest among the groups gnomAD compares: East Asian, 0.51%; no homozygotes.

Submissions (8):

Labcorp Genetics (formerly Invitae), Labcorp
Classification: Benign for Duchenne muscular dystrophy. Last evaluated: 2026-01-15. Review status: criteria provided, single submitter. Criteria: Invitae Variant Classification Sherloc (09022015). Collection method: clinical testing. Allele origin: germline.

Blueprint Genetics
Classification: Likely benign. Last evaluated: 2024-06-17. Review status: criteria provided, single submitter. Criteria: ACMG Guidelines, 2015. Collection method: clinical testing. Allele origin: germline.

CeGaT Center for Human Genetics Tuebingen
Classification: Likely benign. Last evaluated: 2022-07-01. Review status: criteria provided, single submitter. Criteria: CeGaT Center For Human Genetics Tuebingen Variant Classification Criteria Version 2. Collection method: clinical testing. Allele origin: germline. Affected: yes. Observed: 1 variant allele.
Comment: DMD: BP4

Ambry Genetics
Classification: Likely benign for Cardiovascular phenotype. Last evaluated: 2021-03-22. Review status: criteria provided, single submitter. Criteria: Ambry Variant Classification Scheme 2023. Collection method: clinical testing. Allele origin: germline.

GeneDx
Classification: Benign. Last evaluated: 2019-12-02. Review status: criteria provided, single submitter. Criteria: GeneDx Variant Classification Process June 2021. Collection method: clinical testing. Allele origin: germline. Affected: yes.

Illumina Laboratory Services, Illumina
Classification: Likely benign for Dilated cardiomyopathy 3B. Last evaluated: 2018-01-13. Review status: criteria provided, single submitter. Criteria: ICSL Variant Classification Criteria 13 December 2019. Collection method: clinical testing. Allele origin: germline.
Comment: This variant was observed in the ICSL laboratory as part of a predisposition screen in an ostensibly healthy population. It had not been previously curated by ICSL or reported in the Human Gene Mutation Database (HGMD: prior to June 1st, 2018), and was therefore a candidate for classification through an automated scoring system. Utilizing variant allele frequency, disease prevalence and penetrance estimates, and inheritance mode, an automated score was calculated to assess if this variant is too frequent to cause the disease. Based on the score and internal cut-off values, a variant classified as likely benign is not then subjected to further curation. The score for this variant resulted in a classification of likely benign for this disease.

Eurofins Ntd Llc (ga)
Classification: Likely benign. Last evaluated: 2015-08-04. Review status: criteria provided, single submitter. Criteria: EGL Classification Definitions 2015. Collection method: clinical testing. Allele origin: germline. Observed: 1 variant allele, 1 heterozygote.

Natera, Inc.
Classification: Likely benign for Dystrophin deficiency. Last evaluated: 2020-04-11. Review status: no assertion criteria provided. Collection method: clinical testing. Allele origin: germline. Not counted in ClinVar's aggregate classification.

Literature cited by the submitters: PubMed 27135274 (cited by Ambry Genetics).